The following is an entry in ClinVar:

ClinVar aggregate classification (germline): Uncertain significance (1 of 4 stars; one submission).

Conditions:
PMM2-congenital disorder of glycosylation. Also called: PHOSPHOMANNOMUTASE 2 DEFICIENCY; CARBOHYDRATE-DEFICIENT GLYCOPROTEIN SYNDROME, TYPE Ia; CDG Ia; JAEKEN SYNDROME; PMM2-CDG; Congenital disorder of glycosylation, type Ia. Identifiers: Orphanet 79318, MedGen C0349653, MONDO:0008907, OMIM 212065.

Submission:

Labcorp Genetics (formerly Invitae), Labcorp
Classification: Uncertain significance for PMM2-congenital disorder of glycosylation. Last evaluated: 2026-01-25. Review status: criteria provided, single submitter. Criteria: Invitae Variant Classification Sherloc (09022015). Collection method: clinical testing. Allele origin: germline.
Comment: This sequence change affects codon 213 of the PMM2 mRNA. It is a 'silent' change, meaning that it does not change the encoded amino acid sequence of the PMM2 protein. It affects a nucleotide within the consensus splice site. This variant is not present in population databases (gnomAD no frequency). This variant has not been reported in the literature in individuals affected with PMM2-related conditions. Algorithms developed to predict the effect of sequence changes on RNA splicing suggest that this variant is not likely to affect RNA splicing. In summary, the available evidence is currently insufficient to determine the role of this variant in disease. Therefore, it has been classified as a Variant of Uncertain Significance.

NM_000303.3(PMM2):c.639A>T (p.Pro213=)

Gene: PMM2 (phosphomannomutase 2; plus strand). Cytogenetic location: 16p13.2.
Variant type: single nucleotide variant.
Coding change: c.639A>T on transcript NM_000303.3 (MANE Select); coding-DNA position 639, A replaced by T.
Protein change: p.Pro213=; no amino-acid change (proline 213 retained).
Molecular consequence: synonymous variant.
Genome position (GRCh38, 1-based): chr16:8,813,106, A>T. VCF-style: chr16-8813106-A-T. GRCh37 (hg19) VCF-style: chr16-8906963-A-T.
Identifiers: ClinVar variation 4760807 (VCV004760807.1).
Genomic context (GRCh38, chr16:8,813,106, plus strand): 5'-GCGACATGTGGAAAATGACGGTTATAAGACCATTTATTTCTTTGGAGACAAAACTATGCC[A>T]GTAAGTAGAGAAGTGTTTGTGCACCTTCATTGTTGCATTTGCGCTTGATGGGGGAAATTG-3'
Protein context (NP_000294.1, residues 203-223): TIYFFGDKTM[Pro213=]GGNDHEIFTD